The following is an entry in ClinVar:

ClinVar aggregate classification (germline): Pathogenic (1 of 4 stars; one submission).

Submission:

GeneDx
Classification: Pathogenic. Last evaluated: 2019-05-08. Review status: criteria provided, single submitter. Criteria: GeneDx Variant Classification (06012015). Collection method: clinical testing. Allele origin: germline. Affected: yes.
Comment: The c.1826dupG variant in the SUZ12 gene has been observed in internal GeneDx sequencing data in association with mild overgrowth, dysmorphic features, intellectual disability, and musculoskeletal abnormalities. The c.1826dupG variant causes a frameshift starting with codon Glutamic acid 610, changes this amino acid to an Arginine residue, and creates a premature Stop codon at position 20 of the new reading frame, denoted p.Glu610ArgfsX2. This variant is predicted to cause loss of normal protein function through protein truncation, as the last 130 amino acids are lost and replaced with 19 incorrect amino acids. The c.1826dupG variant is not observed in large population cohorts (Lek et al., 2016). Therefore, we interpret c.1826dupG as a pathogenic variant.

NM_015355.4(SUZ12):c.1826dup (p.Glu610fs)

Gene: SUZ12 (SUZ12 polycomb repressive complex 2 subunit; plus strand). Cytogenetic location: 17q11.2.
Variant type: Duplication.
Coding change: c.1826dup on transcript NM_015355.4 (MANE Select); coding-DNA position 1826, one base duplicated (G; older notation c.1826dupG).
Protein change: p.Glu610fs; shifts the reading frame from glutamic acid 610.
Molecular consequence: frameshift variant.
Genome position (GRCh38, 1-based): chr17:31,996,829, G duplicated; the last of 2 consecutive G bases (chr17:31,996,828-31,996,829); duplicating either gives the same sequence. VCF-style (leftmost placement, unchanged base first): chr17-31996827-A-AG. GRCh37 (hg19) VCF-style: chr17-30323846-A-AG.
Other names: c.1757dup, p.Glu587fs (NM_001321207.2); short protein forms E587fs, E610fs.
Identifiers: ClinVar variation 631551 (VCV000631551.1), dbSNP rs1567840389, ClinGen allele CA913190328.
Genomic context (GRCh38, chr17:31,996,827, plus strand): 5'-TTTAATAGGTGTTTTTCTTTCTTTTTCCCAGCAAATTGAAGAGTTTTCTGATGTTAATGA[A>AG]GGAGAGAAAGAAGTGATGAAACTCTGGAATCTCCATGTCATGAAGCATGGGTAGGGTATT-3'